The following is an entry in ClinVar:

NM_001127222.2(CACNA1A):c.2708A>C (p.His903Pro)

Gene: CACNA1A (calcium voltage-gated channel subunit alpha1 A; minus strand). Cytogenetic location: 19p13.13.
Variant type: single nucleotide variant.
Coding change: c.2708A>C on transcript NM_001127222.2 (MANE Select); coding-DNA position 2708, A replaced by C.
Protein change: p.His903Pro; replaces histidine 903 with proline.
Molecular consequence: missense variant.
Genome position (GRCh38, 1-based): chr19:13,298,925, T>G on the plus strand (A>C on the coding strand, the complement: CACNA1A is on the minus strand). VCF-style: chr19-13298925-T-G. GRCh37 (hg19) VCF-style: chr19-13409739-T-G.
Other names: c.2720A>C, p.His907Pro (NM_000068.4, NM_023035.3); c.2711A>C, p.His904Pro (NM_001127221.2, NM_001174080.2); short protein forms H903P, H904P, H907P.
Identifiers: ClinVar variation 1395715 (VCV001395715.8), dbSNP rs1600272904, ClinGen allele CA404342880.

ClinVar aggregate classification (germline): Uncertain significance (1 of 4 stars; one submission).

Conditions:
Developmental and epileptic encephalopathy, 42 (DEE42A). Also called: Epileptic encephalopathy, early infantile, 42; DEVELOPMENTAL AND EPILEPTIC ENCEPHALOPATHY 42A; EPILEPTIC ENCEPHALOPATHY, EARLY INFANTILE, 42A. Identifiers: MedGen C4310716, MONDO:0014917, OMIM 617106.
Episodic ataxia type 2 (EA2). Also called: EPISODIC ATAXIA, NYSTAGMUS-ASSOCIATED; ACETAZOLAMIDE-RESPONSIVE HEREDITARY PAROXYSMAL CEREBELLAR ATAXIA; ATAXIA, EPISODIC, WITH NYSTAGMUS; ATAXIA, FAMILIAL PAROXYSMAL; CEREBELLAR ATAXIA, PAROXYSMAL, ACETAZOLAMIDE-RESPONSIVE; CEREBELLOPATHY, HEREDITARY PAROXYSMAL. Identifiers: Orphanet 97, MedGen C1720416, MONDO:0007163, OMIM 108500.

Submission:

Labcorp Genetics (formerly Invitae), Labcorp
Classification: Uncertain significance for Developmental and epileptic encephalopathy, 42; Episodic ataxia type 2. Last evaluated: 2024-03-11. Review status: criteria provided, single submitter. Criteria: Invitae Variant Classification Sherloc (09022015). Collection method: clinical testing. Allele origin: germline.
Comment: This sequence change replaces histidine, which is basic and polar, with proline, which is neutral and non-polar, at codon 904 of the CACNA1A protein (p.His904Pro). This variant is not present in population databases (gnomAD no frequency). This variant has not been reported in the literature in individuals affected with CACNA1A-related conditions. ClinVar contains an entry for this variant (Variation ID: 1395715). Advanced modeling of protein sequence and biophysical properties (such as structural, functional, and spatial information, amino acid conservation, physicochemical variation, residue mobility, and thermodynamic stability) performed at Invitae indicates that this missense variant is not expected to disrupt CACNA1A protein function with a negative predictive value of 95%. In summary, the available evidence is currently insufficient to determine the role of this variant in disease. Therefore, it has been classified as a Variant of Uncertain Significance.